The following is an entry in ClinVar:

NM_000214.3(JAG1):c.2552G>A (p.Ser851Asn)

Gene: JAG1 (jagged canonical Notch ligand 1; minus strand). Cytogenetic location: 20p12.2.
Variant type: single nucleotide variant.
Coding change: c.2552G>A on transcript NM_000214.3 (MANE Select); coding-DNA position 2552, G replaced by A.
Protein change: p.Ser851Asn; replaces serine 851 with asparagine.
Molecular consequence: missense variant.
Genome position (GRCh38, 1-based): chr20:10,642,508, C>T on the plus strand (G>A on the coding strand, the complement: JAG1 is on the minus strand). VCF-style: chr20-10642508-C-T. GRCh37 (hg19) VCF-style: chr20-10623156-C-T.
Other names: c.2552G>A (NM_000214.2); short protein forms S851N.
Identifiers: ClinVar variation 1058251 (VCV001058251.11), dbSNP rs1211288472, ClinGen allele CA408245503.

ClinVar aggregate classification (germline): Conflicting classifications of pathogenicity. Review status: criteria provided, conflicting classifications (1 of 4 stars). 2 submissions from 2 submitters: Uncertain significance (1); Likely benign (1). Last evaluated 2026-05-20.

Conditions:
Cardiovascular phenotype. Identifiers: MedGen CN230736.
Alagille syndrome due to a JAG1 point mutation. Also called: JAG1-Related Alagille Syndrome; HEPATIC DUCTULAR HYPOPLASIA, SYNDROMATIC; Alagille Syndrome 1. Identifiers: Orphanet 261619, Orphanet 52, MedGen C1956125, MONDO:0016862, OMIM 118450.

Allele frequency attached by ClinVar (database versions not stated): gnomAD 0.00001 and 0.00002; gnomAD exomes below 0.00001; TOPMed 0.00002.
gnomAD v4.1: 8 of 1,609,526 alleles (0.0005%); highest among the groups gnomAD compares: Middle Eastern, 0.016%; no homozygotes.

Submissions (2):

Ambry Genetics
Classification: Uncertain significance for Cardiovascular phenotype. Last evaluated: 2026-05-20. Review status: criteria provided, single submitter. Criteria: Ambry Variant Classification Scheme 2023. Collection method: clinical testing. Allele origin: germline.
Comment: The p.S851N variant (also known as c.2552G>A), located in coding exon 21 of the JAG1 gene, results from a G to A substitution at nucleotide position 2552. The serine at codon 851 is replaced by asparagine, an amino acid with highly similar properties. This amino acid position is conserved. In addition, this alteration is predicted to be tolerated by in silico analysis. Based on the available evidence, the clinical significance of this variant remains unclear.

Labcorp Genetics (formerly Invitae), Labcorp
Classification: Likely benign for Alagille syndrome due to a JAG1 point mutation. Last evaluated: 2024-07-15. Review status: criteria provided, single submitter. Criteria: Invitae Variant Classification Sherloc (09022015). Collection method: clinical testing. Allele origin: germline.